The following is an entry in ClinVar:

NM_000478.6(ALPL):c.567_568insT (p.Asn190Ter)

Gene: ALPL (alkaline phosphatase, biomineralization associated; plus strand). Cytogenetic location: 1p36.12.
Variant type: Insertion.
Coding change: c.567_568insT on transcript NM_000478.6 (MANE Select); coding-DNA positions 567 to 568, T inserted.
Protein change: p.Asn190Ter; replaces asparagine 190 with a stop codon.
Molecular consequence: nonsense.
Genome position: GRCh38 VCF-style: chr1-21564135-C-CT. GRCh37 (hg19) VCF-style: chr1-21890628-C-CT.
Other names: c.402_403insT, p.Asn135Ter (NM_001127501.4); c.336_337insT, p.Asn113Ter (NM_001177520.3); c.567_568insT, p.Asn190Ter (NM_001369803.2, NM_001369804.2, NM_001369805.2); short protein forms N113*, N135*, N190*.
Identifiers: ClinVar variation 4086819 (VCV004086819.2).

ClinVar aggregate classification (germline): Pathogenic. Review status: criteria provided, multiple submitters, no conflicts (2 of 4 stars). 2 submissions from 2 submitters: Pathogenic (2). Last evaluated 2026-01-12.

Conditions:
Hypophosphatasia. Also called: Phosphoethanol-aminuria. Identifiers: Orphanet 436, MedGen C0020630, MeSH D007014, MONDO:0018570.

Submissions (2):

Labcorp Genetics (formerly Invitae), Labcorp
Classification: Pathogenic. Last evaluated: 2026-01-12. Review status: criteria provided, single submitter. Criteria: Invitae Variant Classification Sherloc (09022015). Collection method: clinical testing. Allele origin: germline.
Comment: This sequence change creates a premature translational stop signal (p.Asn190*) in the ALPL gene. It is expected to result in an absent or disrupted protein product. Loss-of-function variants in ALPL are known to be pathogenic (PMID: 3174660, 10679946, 32973344, 33814268). This variant is not present in population databases (gnomAD no frequency). This premature translational stop signal has been observed in individual(s) with hypophosphatasia (PMID: 28127875). ClinVar contains an entry for this variant (Variation ID: 4086819). For these reasons, this variant has been classified as Pathogenic.

Genomenon, Inc
Classification: Pathogenic for Hypophosphatasia. Last evaluated: 2025-08-29. Review status: criteria provided, single submitter. Criteria: Genomenon Sequence Variant Interpretation Standards. Collection method: curation. Allele origin: germline. Affected: yes.
Comment: ALPL p.Asn190Ter (c.567_568insT) is a nonsense variant that introduces a premature stop codon at amino acid position 190, creating a truncated protein that is predicted to undergo nonsense-mediated mRNA decay. This variant has been observed in at least one proband affected with hypophosphatasia (PMID:28127875). It is absent or not present at a significant frequency in gnomAD. In conclusion, we classify ALPL p.Asn190Ter (c.567_568insT) as a pathogenic variant.

Literature cited by the submitters: PubMed 3174660 (cited by Labcorp Genetics (formerly Invitae), Labcorp); PubMed 10679946 (cited by Labcorp Genetics (formerly Invitae), Labcorp); PubMed 32973344 (cited by Labcorp Genetics (formerly Invitae), Labcorp); PubMed 33814268 (cited by Labcorp Genetics (formerly Invitae), Labcorp); PubMed 28127875 (cited by Labcorp Genetics (formerly Invitae), Labcorp and Genomenon, Inc).